The following is an entry in ClinVar:

NM_001347721.2(DYRK1A):c.1527A>G (p.Ser509=)

Gene: DYRK1A (dual specificity tyrosine phosphorylation regulated kinase 1A; plus strand). Cytogenetic location: 21q22.13.
Variant type: single nucleotide variant.
Coding change: c.1527A>G on transcript NM_001347721.2 (MANE Select); coding-DNA position 1527, A replaced by G.
Protein change: p.Ser509=; no amino-acid change (serine 509 retained).
Molecular consequence: synonymous variant. On other transcripts: intron variant (1).
Genome position (GRCh38, 1-based): chr21:37,506,106, A>G. VCF-style: chr21-37506106-A-G. GRCh37 (hg19) VCF-style: chr21-38878409-A-G.
Other names: c.1527A>G, p.Ser509= (NM_001347722.2, NM_130436.2); c.1440A>G, p.Ser480= (NM_001347723.2); c.1554A>G, p.Ser518= (NM_001396.5, NM_101395.2); c.1546+517A>G (NM_130438.2).
Identifiers: ClinVar variation 625936 (VCV000625936.4), dbSNP rs1569398234, ClinGen allele CA512093218.

ClinVar aggregate classification (germline): Conflicting classifications of pathogenicity. Review status: criteria provided, conflicting classifications (1 of 4 stars). 2 submissions from 2 submitters: Uncertain significance (1); Likely benign (1). Last evaluated 2024-07-16.

Conditions:
DYRK1A-related intellectual disability syndrome (MRD7). Also called: DYRK1A Syndrome; Intellectual developmental disorder, autosomal dominant 7. Identifiers: Orphanet 464306, MedGen C5568143, MONDO:0013578, OMIM 614104.

gnomAD v4.1: 4 of 1,611,062 alleles (0.00025%); highest among the groups gnomAD compares: South Asian, 0.0044%; 1 homozygote.

Submissions (2):

Labcorp Genetics (formerly Invitae), Labcorp
Classification: Likely benign for DYRK1A-related intellectual disability syndrome. Last evaluated: 2024-07-16. Review status: criteria provided, single submitter. Criteria: Invitae Variant Classification Sherloc (09022015). Collection method: clinical testing. Allele origin: germline.

Center for Genomics, Ann and Robert H. Lurie Children's Hospital of Chicago
Classification: Uncertain significance for DYRK1A-related intellectual disability syndrome. Last evaluated: 2021-03-30. Review status: criteria provided, single submitter. Criteria: ACMG Guidelines, 2015. Collection method: clinical testing. Allele origin: germline.
Comment: DYRK1A NM_001396.4 exon 10 p.Ser518Ser (c.1554A>G): This variant has not been reported in the literature and is not present in large control databases. Evolutionary conservation and computational predictive tools for this variant are limited or unavailable. Of note, this variant is a silent variant and does not change the amino acid, reducing the probability that this variant is disease causing. In summary, data on this variant is insufficient for disease classification. Therefore, the clinical significance of this variant is uncertain.